The following is an entry in ClinVar:

NM_006030.4(CACNA2D2):c.2003C>T (p.Pro668Leu)

Gene: CACNA2D2 (calcium voltage-gated channel auxiliary subunit alpha2delta 2; minus strand). Cytogenetic location: 3p21.31.
Variant type: single nucleotide variant.
Coding change: c.2003C>T on transcript NM_006030.4 (MANE Select); coding-DNA position 2003, C replaced by T.
Protein change: p.Pro668Leu; replaces proline 668 with leucine.
Molecular consequence: missense variant.
Genome position (GRCh38, 1-based): chr3:50,370,362, G>A on the plus strand (C>T on the coding strand, the complement: CACNA2D2 is on the minus strand). VCF-style: chr3-50370362-G-A. GRCh37 (hg19) VCF-style: chr3-50407793-G-A.
Other names: c.2003C>T, p.Pro668Leu (NM_001005505.3, NM_001410768.1); c.2024C>T, p.Pro675Leu (NM_001174051.3); c.1796C>T, p.Pro599Leu (NM_001291101.1); short protein forms P668L, P599L, P675L.
Identifiers: ClinVar variation 3655170 (VCV003655170.2).

ClinVar aggregate classification (germline): Uncertain significance (1 of 4 stars; one submission).

Conditions:
Early-infantile DEE. Also called: Ohtahara syndrome; Early infantile epileptic encephalopathy; Early infantile epileptic encephalopathy with suppression bursts. Identifiers: Orphanet 1934, MedGen C0393706, MONDO:0800491.

Submission:

Labcorp Genetics (formerly Invitae), Labcorp
Classification: Uncertain significance for Early-infantile DEE. Last evaluated: 2025-03-03. Review status: criteria provided, single submitter. Criteria: Invitae Variant Classification Sherloc (09022015). Collection method: clinical testing. Allele origin: germline.
Comment: This sequence change replaces proline, which is neutral and non-polar, with leucine, which is neutral and non-polar, at codon 668 of the CACNA2D2 protein (p.Pro668Leu). This variant is not present in population databases (gnomAD no frequency). This variant has not been reported in the literature in individuals affected with CACNA2D2-related conditions. An algorithm developed to predict the effect of missense changes on protein structure and function (PolyPhen-2) suggests that this variant is likely to be disruptive. In summary, the available evidence is currently insufficient to determine the role of this variant in disease. Therefore, it has been classified as a Variant of Uncertain Significance.